The following is an entry in ClinVar:

ClinVar aggregate classification (germline): Uncertain significance (1 of 4 stars; one submission).

Conditions:
Acromesomelic dysplasia 1, Maroteaux type (AMD1). Also called: ACROMESOMELIC DYSPLASIA 1; ST. HELENA DYSPLASIA. Identifiers: Orphanet 40, MedGen C1864356, MONDO:0011275, OMIM 602875.
Tall stature-scoliosis-macrodactyly of the great toes syndrome. Also called: Epiphyseal chondrodysplasia, miura type. Identifiers: Orphanet 329191, MedGen C4014690, MONDO:0014401, OMIM 615923.

Submission:

Labcorp Genetics (formerly Invitae), Labcorp
Classification: Uncertain significance for Tall stature-scoliosis-macrodactyly of the great toes syndrome; Acromesomelic dysplasia 1, Maroteaux type. Last evaluated: 2022-08-14. Review status: criteria provided, single submitter. Criteria: Invitae Variant Classification Sherloc (09022015). Collection method: clinical testing. Allele origin: germline.
Comment: In summary, the available evidence is currently insufficient to determine the role of this variant in disease. Therefore, it has been classified as a Variant of Uncertain Significance. Algorithms developed to predict the effect of missense changes on protein structure and function are either unavailable or do not agree on the potential impact of this missense change (SIFT: "Deleterious"; PolyPhen-2: "Probably Damaging"; Align-GVGD: "Class C0"). ClinVar contains an entry for this variant (Variation ID: 947303). This variant has not been reported in the literature in individuals affected with NPR2-related conditions. This variant is not present in population databases (gnomAD no frequency). This sequence change replaces alanine, which is neutral and non-polar, with aspartic acid, which is acidic and polar, at codon 52 of the NPR2 protein (p.Ala52Asp).

NM_003995.4(NPR2):c.155C>A (p.Ala52Asp)

Gene: NPR2 (natriuretic peptide receptor 2; plus strand). Cytogenetic location: 9p13.3.
Variant type: single nucleotide variant.
Coding change: c.155C>A on transcript NM_003995.4 (MANE Select); coding-DNA position 155, C replaced by A.
Protein change: p.Ala52Asp; replaces alanine 52 with aspartic acid.
Molecular consequence: missense variant.
Genome position (GRCh38, 1-based): chr9:35,792,563, C>A. VCF-style: chr9-35792563-C-A. GRCh37 (hg19) VCF-style: chr9-35792560-C-A.
Other names: c.155C>A, p.Ala52Asp (NM_001378923.1); short protein forms A52D.
Identifiers: ClinVar variation 947303 (VCV000947303.10), dbSNP rs1827817304, ClinGen allele CA373361850.